The following is an entry in ClinVar:

NM_000454.5(SOD1):c.200C>T (p.Pro67Leu)

Gene: SOD1 (superoxide dismutase 1; plus strand). Cytogenetic location: 21q22.11.
Variant type: single nucleotide variant.
Coding change: c.200C>T on transcript NM_000454.5 (MANE Select); coding-DNA position 200, C replaced by T.
Protein change: p.Pro67Leu; replaces proline 67 with leucine.
Molecular consequence: missense variant.
Genome position (GRCh38, 1-based): chr21:31,666,479, C>T. VCF-style: chr21-31666479-C-T. GRCh37 (hg19) VCF-style: chr21-33038792-C-T.
Other names: short protein forms P67L.
Identifiers: ClinVar variation 4293538 (VCV004293538.1).
Genomic context (GRCh38, chr21:31,666,479, plus strand): 5'-TTAGCTTTTTTTTCTTCTTCTTATAAATAGGCTGTACCAGTGCAGGTCCTCACTTTAATC[C>T]TCTATCCAGAAAACACGGTGGGCCAAAGGATGAAGAGAGGTAACAAGATGCTTAACTCTT-3'
Protein context (NP_000445.1, residues 57-77): GCTSAGPHFN[Pro67Leu]LSRKHGGPKD

ClinVar aggregate classification (germline): Uncertain significance (1 of 4 stars; one submission).

Conditions:
Amyotrophic lateral sclerosis type 1 (ALS1). Also called: AMYOTROPHIC LATERAL SCLEROSIS 1, FAMILIAL. Identifiers: Orphanet 803, MedGen C1862939, MONDO:0007103, OMIM 105400.

Submission:

3billion
Classification: Uncertain significance for Amyotrophic lateral sclerosis type 1. Last evaluated: 2024-11-25. Review status: criteria provided, single submitter. Criteria: ACMG Guidelines, 2015. Collection method: clinical testing. Allele origin: germline. Affected: yes.
Comment: The variant is not observed in the gnomAD v4.1.0 dataset. Predicted Consequence/Location: Missense variant In silico tool predictions suggest damaging effect of the variant on gene or gene product [REVEL: 0.95 (>=0.6, sensitivity 0.68 and specificity 0.92); 3Cnet: 0.98 (>=0.6, sensitivity 0.72 and precision 0.9)]. The same nucleotide change resulting in the same amino acid change has been previously reported to be associated with SOD1 related disorder (PMID: 37265463, 22214314). Different missense changes at the same codon (p.Pro67Ala, p.Pro67Arg, p.Pro67Ser, p.Pro67Thr) have been reported to be associated with SOD1 related disorder (PMID: 20577002, 22214314, 22292843, 34544842). Therefore, this variant is classified as VUS according to the recommendation of ACMG/AMP guideline.

Literature cited by the submitters: PubMed 37265463; PubMed 20577002.